The following is an entry in ClinVar:

NM_177438.3(DICER1):c.3344_3345delinsGG (p.Ser1115Trp)

Gene: DICER1 (dicer 1, ribonuclease III; minus strand). Cytogenetic location: 14q32.13.
Variant type: Indel.
Coding change: c.3344_3345delinsGG on transcript NM_177438.3 (MANE Select); coding-DNA positions 3344 to 3345, CA replaced by GG.
Protein change: p.Ser1115Trp; replaces serine 1115 with tryptophan.
Molecular consequence: missense variant.
Genome position (GRCh38, 1-based): chr14:95,104,051-95,104,052, TG replaced by CC on the plus strand (CA replaced by GG on the coding strand, the reverse complement: DICER1 is on the minus strand). VCF-style: chr14-95104051-TG-CC. GRCh37 (hg19) VCF-style: chr14-95570388-TG-CC.
Other names: c.3344_3345delinsGG, p.Ser1115Trp (NM_001195573.1, NM_001271282.3, NM_001291628.2 and 1 more transcripts); c.3344_3345delinsGG (NM_177438.2); short protein forms S1115W.
Identifiers: ClinVar variation 823638 (VCV000823638.15), dbSNP rs1595367651, ClinGen allele CA915946375.

ClinVar aggregate classification (germline): Uncertain significance. Review status: criteria provided, multiple submitters, no conflicts (2 of 4 stars). 2 submissions from 2 submitters: Uncertain significance (2). Last evaluated 2026-01-11.

Conditions:
DICER1-related tumor predisposition. Also called: DICER1-related pleuropulmonary blastoma cancer predisposition syndrome; DICER1 syndrome. Identifiers: Orphanet 284343, MedGen C3839822, MONDO:0100216.
Hereditary cancer-predisposing syndrome. Also called: Neoplastic Syndromes, Hereditary; Hereditary Cancer Syndrome; Hereditary neoplastic syndrome; Tumor predisposition. Identifiers: Orphanet 140162, MedGen C0027672, MeSH D009386, MONDO:0015356.

Submissions (2):

Labcorp Genetics (formerly Invitae), Labcorp
Classification: Uncertain significance for DICER1-related tumor predisposition. Last evaluated: 2026-01-11. Review status: criteria provided, single submitter. Criteria: Invitae Variant Classification Sherloc (09022015). Collection method: clinical testing. Allele origin: germline.
Comment: This sequence change replaces serine, which is neutral and polar, with tryptophan, which is neutral and slightly polar, at codon 1115 of the DICER1 protein (p.Ser1115Trp). This variant is present in population databases (no rsID available, gnomAD 0.003%). This variant has not been reported in the literature in individuals affected with DICER1-related conditions. ClinVar contains an entry for this variant (Variation ID: 823638). An algorithm developed to predict the effect of missense changes on protein structure and function (PolyPhen-2) suggests that this variant is likely to be tolerated. In summary, the available evidence is currently insufficient to determine the role of this variant in disease. Therefore, it has been classified as a Variant of Uncertain Significance.

Ambry Genetics
Classification: Uncertain significance for Hereditary cancer-predisposing syndrome. Last evaluated: 2024-02-22. Review status: criteria provided, single submitter. Criteria: Ambry Variant Classification Scheme 2023. Collection method: clinical testing. Allele origin: germline.
Comment: The c.3344_3345delCAinsGG variant, located in coding exon 20 of the DICER1 gene, results from an in-frame deletion of CA and insertion of GG at nucleotide positions 3344 to 3345. This results in the substitution of the serine residue for a tryptophan residue at codon 1115, an amino acid with highly dissimilar properties. This amino acid position is poorly conserved in available vertebrate species. In addition, this alteration is predicted to be neutral by in silico analysis (Choi Y et al. PLoS ONE. 2012; 7(10):e46688). Since supporting evidence is limited at this time, the clinical significance of this alteration remains unclear.